The following is an entry in ClinVar:

NM_001130082.3(PLXNB1):c.1186C>T (p.Pro396Ser)

Gene: PLXNB1 (plexin B1; minus strand). Cytogenetic location: 3p21.31.
Variant type: single nucleotide variant.
Coding change: c.1186C>T on transcript NM_001130082.3 (MANE Select); coding-DNA position 1186, C replaced by T.
Protein change: p.Pro396Ser; replaces proline 396 with serine.
Molecular consequence: missense variant.
Genome position (GRCh38, 1-based): chr3:48,422,869, G>A on the plus strand (C>T on the coding strand, the complement: PLXNB1 is on the minus strand). VCF-style: chr3-48422869-G-A. GRCh37 (hg19) VCF-style: chr3-48464278-G-A.
Other names: c.1186C>T, p.Pro396Ser (NM_002673.6); short protein forms P396S.
Identifiers: ClinVar variation 3041524 (VCV003041524.2), dbSNP rs112016313, ClinGen allele CA2375179.

ClinVar aggregate classification (germline): Benign (0 of 4 stars; one submission).

Conditions:
PLXNB1-related disorder. Also called: PLXNB1-related condition.

Allele frequency attached by ClinVar (database versions not stated): gnomAD exomes 0.00046; ExAC 0.00118; gnomAD 0.00383; 1000 Genomes Project 0.00399; 1000 Genomes Project 30x 0.00406; TOPMed 0.00454; ESP Exome Variant Server 0.00469.

Submission:

PreventionGenetics, part of Exact Sciences
Classification: Benign for PLXNB1-related condition. Last evaluated: 2019-06-04. Review status: no assertion criteria provided. Collection method: clinical testing. Allele origin: germline.
Comment: This variant is classified as benign based on ACMG/AMP sequence variant interpretation guidelines (Richards et al. 2015 PMID: 25741868, with internal and published modifications).